The following is an entry in ClinVar:

NM_012330.4(KAT6B):c.6059C>G (p.Pro2020Arg)

Gene: KAT6B (lysine acetyltransferase 6B; plus strand). Cytogenetic location: 10q22.2.
Variant type: single nucleotide variant.
Coding change: c.6059C>G on transcript NM_012330.4 (MANE Select); coding-DNA position 6059, C replaced by G.
Protein change: p.Pro2020Arg; replaces proline 2020 with arginine.
Molecular consequence: missense variant.
Genome position (GRCh38, 1-based): chr10:75,030,883, C>G. VCF-style: chr10-75030883-C-G. GRCh37 (hg19) VCF-style: chr10-76790641-C-G.
Other names: c.5183C>G, p.Pro1728Arg (NM_001370141.1, NM_001370142.1, NM_001256469.2 and 2 more transcripts); c.4994C>G, p.Pro1665Arg (NM_001370143.1, NM_001370144.1); c.5510C>G, p.Pro1837Arg (NM_001256468.2, NM_001370138.1); c.5021C>G, p.Pro1674Arg (NM_001370132.1); c.4370C>G, p.Pro1457Arg (NM_001370133.1); c.3974C>G, p.Pro1325Arg (NM_001370134.1); c.3716C>G, p.Pro1239Arg (NM_001370135.1); c.6059C>G, p.Pro2020Arg (NM_001370136.1, NM_001370137.1); short protein forms P1239R, P1325R, P1457R, P1665R, P1674R, P1728R, P1837R, P2020R.
Identifiers: ClinVar variation 4282116 (VCV004282116.1).

ClinVar aggregate classification (germline): Uncertain significance (1 of 4 stars; one submission).

gnomAD v4.1: 1 of 1,614,172 alleles (0.000062%); highest among the groups gnomAD compares: South Asian, 0.0011%; no homozygotes.

Submission:

GeneDx
Classification: Uncertain significance. Last evaluated: 2025-04-11. Review status: criteria provided, single submitter. Criteria: GeneDx Variant Classification Process June 2021. Collection method: clinical testing. Allele origin: germline. Affected: yes.
Comment: Not observed at significant frequency in large population cohorts (gnomAD); In silico analysis supports that this missense variant has a deleterious effect on protein structure/function; Has not been previously published as pathogenic or benign to our knowledge